The following is an entry in ClinVar:

NC_000002.12:g.(?_44507855)_(44548633_?)del

Genes: CAMKMT (calmodulin-lysine N-methyltransferase; plus strand), SLC3A1 (solute carrier family 3 member 1; plus strand). Cytogenetic location: 2p21.
Variant type: Deletion.
Identifiers: ClinVar variation 4526826 (VCV004526826.1).

ClinVar aggregate classification (germline): Pathogenic (1 of 4 stars; one submission).

Conditions:
Cystinuria (CSNU). Also called: CYSTINURIA, TYPE I; CYSTINURIA, TYPE II; CYSTINURIA, TYPE III; Cystinuria, non-type I. Identifiers: Orphanet 214, MedGen C0010691, MONDO:0009067, OMIM 220100, HP:0003131.

Submission:

Rare Kidney Stone Consortium and the Mayo Clinic Hyperoxaluria Center, Mayo Clinic
Classification: Pathogenic for Cystinuria. Last evaluated: 2025-10-03. Review status: criteria provided, single submitter. Criteria: ACMG Guidelines, 2015. Collection method: research. Allele origin: germline. Affected: yes. Observed: 1 variant allele.
Comment: ACMG:PVS1, PM2, PM3, PM4

Literature cited by the submitters: PubMed 9648062; PubMed 40794449.